The following is an entry in ClinVar:

NM_003126.4(SPTA1):c.6258G>A (p.Glu2086=)

Gene: SPTA1 (spectrin alpha, erythrocytic 1; minus strand). Cytogenetic location: 1q23.1.
Variant type: single nucleotide variant.
Coding change: c.6258G>A on transcript NM_003126.4 (MANE Select); coding-DNA position 6258, G replaced by A.
Protein change: p.Glu2086=; no amino-acid change (glutamic acid 2086 retained).
Molecular consequence: synonymous variant.
Genome position (GRCh38, 1-based): chr1:158,620,329, C>T on the plus strand (G>A on the coding strand, the complement: SPTA1 is on the minus strand). VCF-style: chr1-158620329-C-T. GRCh37 (hg19) VCF-style: chr1-158590119-C-T.
Other names: c.6258G>A (NM_003126.2).
Identifiers: ClinVar variation 2717369 (VCV002717369.6), dbSNP rs368317545, ClinGen allele CA1182035.

ClinVar aggregate classification (germline): Benign/Likely benign. Review status: criteria provided, multiple submitters, no conflicts (2 of 4 stars). 3 submissions from 3 submitters: Benign (1); Likely benign (1). 1 of the submissions does not count toward it. Last evaluated 2025-07-02.

Conditions:
SPTA1-related disorder. Also called: SPTA1-related disorders; SPTA1-related condition.

Allele frequency attached by ClinVar (database versions not stated): gnomAD exomes 0.00006; ExAC 0.00010; gnomAD 0.00013; ESP Exome Variant Server 0.00025; TOPMed 0.00046.
gnomAD v4.1: 148 of 1,613,980 alleles (0.0092%); highest among the groups gnomAD compares: Non-Finnish European, 0.0092%; 1 homozygote.

Submissions (3):

Labcorp Genetics (formerly Invitae), Labcorp
Classification: Benign. Last evaluated: 2025-07-02. Review status: criteria provided, single submitter. Criteria: Invitae Variant Classification Sherloc (09022015). Collection method: clinical testing. Allele origin: germline.

Blueprint Genetics
Classification: Likely benign. Last evaluated: 2024-09-26. Review status: criteria provided, single submitter. Criteria: ACMG Guidelines, 2015. Collection method: clinical testing. Allele origin: germline.

PreventionGenetics, part of Exact Sciences
Classification: Likely benign for SPTA1-related condition. Last evaluated: 2019-09-17. Review status: no assertion criteria provided. Collection method: clinical testing. Allele origin: germline. Not counted in ClinVar's aggregate classification.
Comment: This variant is classified as likely benign based on ACMG/AMP sequence variant interpretation guidelines (Richards et al. 2015 PMID: 25741868, with internal and published modifications).